The following is an entry in ClinVar:

NM_003105.6(SORL1):c.2311C>T (p.Arg771Cys)

Genes: SORL1 (sortilin related receptor 1; plus strand), LOC114803469 (SORL1 eExon liver enhancer; plus strand). Cytogenetic location: 11q24.1.
Variant type: single nucleotide variant.
Coding change: c.2311C>T on transcript NM_003105.6 (MANE Select); coding-DNA position 2311, C replaced by T.
Protein change: p.Arg771Cys; replaces arginine 771 with cysteine.
Molecular consequence: missense variant.
Genome position (GRCh38, 1-based): chr11:121,553,981, C>T. VCF-style: chr11-121553981-C-T. GRCh37 (hg19) VCF-style: chr11-121424690-C-T.
Other names: short protein forms R771C.
Identifiers: ClinVar variation 1396627 (VCV001396627.6), dbSNP rs561482784, ClinGen allele CA6328907.

ClinVar aggregate classification (germline): Uncertain significance (1 of 4 stars; one submission).

Allele frequency attached by ClinVar (database versions not stated): gnomAD exomes 0.00002 and 0.00006; ExAC 0.00005; TOPMed 0.00005; gnomAD 0.00009 and 0.00010; 1000 Genomes Project 30x 0.00016; 1000 Genomes Project 0.00020.
gnomAD v4.1: 39 of 1,614,176 alleles (0.0024%); highest among the groups gnomAD compares: Admixed American, 0.038%; no homozygotes.

Submission:

Labcorp Genetics (formerly Invitae), Labcorp
Classification: Uncertain significance. Last evaluated: 2026-01-15. Review status: criteria provided, single submitter. Criteria: Invitae Variant Classification Sherloc (09022015). Collection method: clinical testing. Allele origin: germline.
Comment: This sequence change replaces arginine, which is basic and polar, with cysteine, which is neutral and slightly polar, at codon 771 of the SORL1 protein (p.Arg771Cys). This variant is present in population databases (rs561482784, gnomAD 0.02%). This missense change has been observed in individual(s) with Alzheimer's disease (PMID: 27026413). ClinVar contains an entry for this variant (Variation ID: 1396627). An algorithm developed to predict the effect of missense changes on protein structure and function (PolyPhen-2) suggests that this variant is likely to be disruptive. In summary, the available evidence is currently insufficient to determine the role of this variant in disease. Therefore, it has been classified as a Variant of Uncertain Significance.

Literature cited by the submitters: PubMed 27026413.